The following is an entry in ClinVar:

ClinVar aggregate classification (germline): Uncertain significance. Review status: criteria provided, multiple submitters, no conflicts (2 of 4 stars). 4 submissions from 4 submitters: Uncertain significance (4). Last evaluated 2025-09-27.

Conditions:
Cardiovascular phenotype. Identifiers: MedGen CN230736.
Cardiomyopathy (CMYO). Also called: Cardiomyopathies. Identifiers: Orphanet 167848, MedGen C0878544, MONDO:0004994, HP:0001638. Inheritance: Various modes of inheritance.
Arrhythmogenic cardiomyopathy with wooly hair and keratoderma. Also called: PALMOPLANTAR KERATODERMA WITH LEFT VENTRICULAR CARDIOMYOPATHY AND WOOLLY HAIR; Arrhythmogenic cardiomyopathy with woolly hair and keratoderma; Carvajal syndrome; Dilated cardiomyopathy with woolly hair and keratoderma. Identifiers: Orphanet 65282, MedGen C1854063, MONDO:0011581, OMIM 605676.
Arrhythmogenic right ventricular dysplasia 8 (ARVD8). Also called: Arrhythmogenic Right Ventricular Dysplasia/Cardiomyopathy 8; ARRHYTHMOGENIC RIGHT VENTRICULAR DYSPLASIA, FAMILIAL, 8; ARRHYTHMOGENIC RIGHT VENTRICULAR CARDIOMYOPATHY 8. Identifiers: MedGen C1843896, MONDO:0011831, OMIM 607450.

Allele frequency attached by ClinVar (database versions not stated): gnomAD exomes below 0.00001; TOPMed below 0.00001.
gnomAD v4.1: 1 of 1,606,788 alleles (0.000062%); highest among the groups gnomAD compares: Non-Finnish European, 0.000085%; no homozygotes.

Submissions (4):

Labcorp Genetics (formerly Invitae), Labcorp
Classification: Uncertain significance for Arrhythmogenic cardiomyopathy with wooly hair and keratoderma; Arrhythmogenic right ventricular dysplasia 8. Last evaluated: 2025-09-27. Review status: criteria provided, single submitter. Criteria: Invitae Variant Classification Sherloc (09022015). Collection method: clinical testing. Allele origin: germline.
Comment: This sequence change replaces arginine, which is basic and polar, with histidine, which is basic and polar, at codon 19 of the DSP protein (p.Arg19His). This variant is not present in population databases (gnomAD no frequency). This variant has not been reported in the literature in individuals affected with DSP-related conditions. ClinVar contains an entry for this variant (Variation ID: 1464775). An algorithm developed to predict the effect of missense changes on protein structure and function (PolyPhen-2) suggests that this variant is likely to be disruptive. In summary, the available evidence is currently insufficient to determine the role of this variant in disease. Therefore, it has been classified as a Variant of Uncertain Significance.

Color Diagnostics, LLC DBA Color Health
Classification: Uncertain significance for Cardiomyopathy. Last evaluated: 2025-07-01. Review status: criteria provided, single submitter. Criteria: ACMG Guidelines, 2015. Collection method: clinical testing. Allele origin: germline.
Comment: This missense variant replaces arginine with histidine at codon 19 of the DSP protein. Computational prediction suggests that this variant may not impact protein structure and function. To our knowledge, functional studies have not been reported for this variant. This variant has not been reported in individuals affected with DSP-related disorders in the literature. This variant has not been identified in the general population by the Genome Aggregation Database (gnomAD). The available evidence is insufficient to determine the role of this variant in disease conclusively. Therefore, this variant is classified as a Variant of Uncertain Significance.

GeneDx
Classification: Uncertain significance. Last evaluated: 2024-10-07. Review status: criteria provided, single submitter. Criteria: GeneDx Variant Classification Process June 2021. Collection method: clinical testing. Allele origin: germline. Affected: yes.
Comment: Has not been previously published as pathogenic or benign to our knowledge; Not observed at significant frequency in large population cohorts (gnomAD); In silico analysis indicates that this missense variant does not alter protein structure/function

Ambry Genetics
Classification: Uncertain significance for Cardiovascular phenotype. Last evaluated: 2022-06-06. Review status: criteria provided, single submitter. Criteria: Ambry Variant Classification Scheme 2023. Collection method: clinical testing. Allele origin: germline.
Comment: The p.R19H variant (also known as c.56G>A), located in coding exon 1 of the DSP gene, results from a G to A substitution at nucleotide position 56. The arginine at codon 19 is replaced by histidine, an amino acid with highly similar properties. This amino acid position is conserved. In addition, the in silico prediction for this alteration is inconclusive. Since supporting evidence is limited at this time, the clinical significance of this alteration remains unclear.

NM_004415.4(DSP):c.56G>A (p.Arg19His)

Genes: DSP-AS1 (DSP antisense RNA 1; minus strand), DSP (desmoplakin; plus strand). Cytogenetic location: 6p24.3.
Variant type: single nucleotide variant.
Coding change: c.56G>A on transcript NM_004415.4 (MANE Select); coding-DNA position 56, G replaced by A.
Protein change: p.Arg19His; replaces arginine 19 with histidine.
Molecular consequence: missense variant.
Genome position (GRCh38, 1-based): chr6:7,541,971, G>A. VCF-style: chr6-7541971-G-A. GRCh37 (hg19) VCF-style: chr6-7542204-G-A.
Other names: c.56G>A, p.Arg19His (NM_001008844.3, NM_001319034.2); short protein forms R19H.
Identifiers: ClinVar variation 1464775 (VCV001464775.12), dbSNP rs1757992558, ClinGen allele CA362675616.
Genomic context (GRCh38, chr6:7,541,971, plus strand): 5'-CCGACATGAGCTGCAACGGAGGCTCCCACCCGCGGATCAACACTCTGGGCCGCATGATCC[G>A]CGCCGAGTCTGGCCCGGACCTGCGCTACGAGGTGACCAGCGGCGGCGGGGGCACCAGCAG-3'
Protein context (NP_004406.2, residues 9-29): PRINTLGRMI[Arg19His]AESGPDLRYE